The following is an entry in ClinVar:

ClinVar aggregate classification (germline): Uncertain significance (1 of 4 stars; one submission).

Conditions:
Muscular dystrophy-dystroglycanopathy (congenital with brain and eye anomalies), type A9. Also called: WALKER-WARBURG SYNDROME OR MUSCLE-EYE BRAIN DISEASE, DAG1-RELATED; Muscular dystrophy-dystroglycanopathy (congenital with brain and eye anomalies), type a, 9. Identifiers: Orphanet 370997, Orphanet 899, MedGen C4225291, MONDO:0014683, OMIM 616538.
Autosomal recessive limb-girdle muscular dystrophy type 2P. Also called: MUSCULAR DYSTROPHY-DYSTROGLYCANOPATHY, LIMB-GIRDLE, DAG1-RELATED; Limb-Girdle Muscular Dystrophy Type 9C; MUSCULAR DYSTROPHY, LIMB-GIRDLE, TYPE 2P. Identifiers: Orphanet 280333, MedGen C4511963, MONDO:0013440, OMIM 613818.

Allele frequency attached by ClinVar (database versions not stated): gnomAD exomes below 0.00001; TOPMed 0.00001.
gnomAD v4.1: 3 of 1,614,170 alleles (0.00019%); highest among the groups gnomAD compares: African/African-American, 0.004%; no homozygotes.

Submission:

Labcorp Genetics (formerly Invitae), Labcorp
Classification: Uncertain significance for Autosomal recessive limb-girdle muscular dystrophy type 2P; Muscular dystrophy-dystroglycanopathy (congenital with brain and eye anomalies), type A9. Last evaluated: 2021-08-23. Review status: criteria provided, single submitter. Criteria: Invitae Variant Classification Sherloc (09022015). Collection method: clinical testing. Allele origin: germline.
Comment: This sequence change replaces glycine with arginine at codon 91 of the DAG1 protein (p.Gly91Arg). The glycine residue is moderately conserved and there is a moderate physicochemical difference between glycine and arginine. This variant is not present in population databases (ExAC no frequency). This variant has not been reported in the literature in individuals affected with DAG1-related conditions. Algorithms developed to predict the effect of missense changes on protein structure and function are either unavailable or do not agree on the potential impact of this missense change (SIFT: "Tolerated"; PolyPhen-2: "Probably Damaging"; Align-GVGD: "Class C0"). Algorithms developed to predict the effect of sequence changes on RNA splicing suggest that this variant may create or strengthen a splice site. In summary, the available evidence is currently insufficient to determine the role of this variant in disease. Therefore, it has been classified as a Variant of Uncertain Significance.

NM_004393.6(DAG1):c.271G>A (p.Gly91Arg)

Gene: DAG1 (dystroglycan 1; plus strand). Cytogenetic location: 3p21.31.
Variant type: single nucleotide variant.
Coding change: c.271G>A on transcript NM_004393.6 (MANE Select); coding-DNA position 271, G replaced by A.
Protein change: p.Gly91Arg; replaces glycine 91 with arginine.
Molecular consequence: missense variant.
Genome position (GRCh38, 1-based): chr3:49,510,805, G>A. VCF-style: chr3-49510805-G-A. GRCh37 (hg19) VCF-style: chr3-49548238-G-A.
Other names: c.271G>A, p.Gly91Arg (NM_001177635.3, NM_001177636.3, NM_001177637.3 and 9 more transcripts); short protein forms G91R.
Identifiers: ClinVar variation 1441329 (VCV001441329.6), dbSNP rs1193999215, ClinGen allele CA352801412.